The following is an entry in ClinVar:

ClinVar aggregate classification (germline): Pathogenic/Likely pathogenic. Review status: criteria provided, multiple submitters, no conflicts (2 of 4 stars). 2 submissions from 2 submitters: Pathogenic (1); Likely pathogenic (1). Last evaluated 2025-12-28.

Conditions:
Orofaciodigital syndrome type 6 (OFD6). Also called: OROFACIODIGITAL SYNDROME VI; OFDS VI; POLYDACTYLY, CLEFT LIP/PALATE OR LINGUAL LUMP, AND PSYCHOMOTOR RETARDATION; VARADI SYNDROME; VARADI-PAPP SYNDROME; Oral-facial-digital syndrome type 6. Identifiers: Orphanet 2754, MedGen C2745997, MONDO:0010176, OMIM 277170.
Joubert syndrome 17 (JBTS17). Identifiers: Orphanet 475, MedGen C3553264, MONDO:0013824, OMIM 614615.

Allele frequency attached by ClinVar (database versions not stated): gnomAD exomes below 0.00001; gnomAD 0.00001; TOPMed 0.00001.
gnomAD v4.1: 4 of 1,614,056 alleles (0.00025%); highest among the groups gnomAD compares: Admixed American, 0.0017%; no homozygotes.

Submissions (2):

Labcorp Genetics (formerly Invitae), Labcorp
Classification: Pathogenic. Last evaluated: 2025-12-28. Review status: criteria provided, single submitter. Criteria: Invitae Variant Classification Sherloc (09022015). Collection method: clinical testing. Allele origin: germline.
Comment: This sequence change creates a premature translational stop signal (p.Gln2234*) in the CPLANE1 gene. It is expected to result in an absent or disrupted protein product. Loss-of-function variants in CPLANE1 are known to be pathogenic (PMID: 24178751, 26092869). This variant is present in population databases (no rsID available, gnomAD 0.003%). This variant has not been reported in the literature in individuals affected with CPLANE1-related conditions. ClinVar contains an entry for this variant (Variation ID: 577935). For these reasons, this variant has been classified as Pathogenic.

Fulgent Genetics
Classification: Likely pathogenic for Orofaciodigital syndrome type 6; Joubert syndrome 17. Last evaluated: 2024-05-15. Review status: criteria provided, single submitter. Criteria: ACMG Guidelines, 2015. Collection method: clinical testing. Allele origin: germline.

Literature cited by the submitters: PubMed 24178751 (cited by Labcorp Genetics (formerly Invitae), Labcorp); PubMed 26092869 (cited by Labcorp Genetics (formerly Invitae), Labcorp).

NM_001384732.1(CPLANE1):c.6700C>T (p.Gln2234Ter)

Gene: CPLANE1 (ciliogenesis and planar polarity effector complex subunit 1; minus strand). Cytogenetic location: 5p13.2.
Variant type: single nucleotide variant.
Coding change: c.6700C>T on transcript NM_001384732.1 (MANE Select); coding-DNA position 6700, C replaced by T.
Protein change: p.Gln2234Ter; replaces glutamine 2234 with a stop codon.
Molecular consequence: nonsense.
Genome position (GRCh38, 1-based): chr5:37,169,324, G>A on the plus strand (C>T on the coding strand, the complement: CPLANE1 is on the minus strand). VCF-style: chr5-37169324-G-A. GRCh37 (hg19) VCF-style: chr5-37169426-G-A.
Other names: c.6700C>T, p.Gln2234Ter (NM_023073.4); short protein forms Q2234*.
Identifiers: ClinVar variation 577935 (VCV000577935.13), dbSNP rs1381740657, ClinGen allele CA359479990.
Genomic context (GRCh38, chr5:37,169,324, plus strand): 5'-AAGGCCTGAAGGGAACTTGTGGAATACTTCCTGTATGTAAGAAAAGGGGCTGGAATTCTT[G>A]TTTAGACTTAAATTGAAGCAAAGGAAAGCCATCACCAGGACTAAATGTTTTTGCATGTGG-3'